The following is an entry in ClinVar:

NM_004006.3(DMD):c.8391-10T>A

Gene: DMD (dystrophin; minus strand). Cytogenetic location: Xp21.2.
Variant type: single nucleotide variant.
Coding change: c.8391-10T>A on transcript NM_004006.3 (MANE Select); 10 bases into the intron before coding-DNA position 8391, T replaced by A.
Molecular consequence: intron variant.
Genome position (GRCh38, 1-based): chrX:31,496,954, A>T on the plus strand (T>A on the coding strand, the complement: DMD is on the minus strand). VCF-style: chrX-31496954-A-T. GRCh37 (hg19) VCF-style: chrX-31515071-A-T.
Other names: c.8367-10T>A (NM_000109.4); c.4368-10T>A (NM_004011.4); c.4359-10T>A (NM_004012.4); c.1011-10T>A (NM_004023.3, NM_004020.4, NM_004022.3 and 2 more transcripts); c.204-10T>A (NM_004014.3); c.8379-10T>A (NM_004009.3); c.8022-10T>A (NM_004010.3).
Identifiers: ClinVar variation 2141498 (VCV002141498.1), dbSNP rs2525737709, ClinGen allele CA2580100585.

ClinVar aggregate classification (germline): Uncertain significance (1 of 4 stars; one submission).

Conditions:
Duchenne muscular dystrophy (DMD). Also called: MUSCULAR DYSTROPHY, PSEUDOHYPERTROPHIC PROGRESSIVE, DUCHENNE TYPE; Duchenne Muscular Dystrophy (DMD). Identifiers: Orphanet 98896, MedGen C0013264, MONDO:0010679, OMIM 310200.

Submission:

Labcorp Genetics (formerly Invitae), Labcorp
Classification: Uncertain significance for Duchenne muscular dystrophy. Last evaluated: 2021-03-24. Review status: criteria provided, single submitter. Criteria: Invitae Variant Classification Sherloc (09022015). Collection method: clinical testing. Allele origin: germline.
Comment: This sequence change falls in intron 56 of the DMD gene. It does not directly change the encoded amino acid sequence of the DMD protein. This variant is not present in population databases (ExAC no frequency). This variant has not been reported in the literature in individuals with DMD-related disease. Algorithms developed to predict the effect of sequence changes on RNA splicing suggest that this variant may disrupt the consensus splice site, but this prediction has not been confirmed by published transcriptional studies. In summary, the available evidence is currently insufficient to determine the role of this variant in disease. Therefore, it has been classified as a Variant of Uncertain Significance.